The following is an entry in ClinVar:

ClinVar aggregate classification (germline): Uncertain significance (1 of 4 stars; one submission).

Conditions:
Hereditary cancer-predisposing syndrome. Also called: Neoplastic Syndromes, Hereditary; Tumor predisposition; Hereditary Cancer Syndrome; Hereditary neoplastic syndrome. Identifiers: Orphanet 140162, MedGen C0027672, MeSH D009386, MONDO:0015356.

Submission:

Ambry Genetics
Classification: Uncertain significance for Hereditary cancer-predisposing syndrome. Last evaluated: 2016-01-28. Review status: criteria provided, single submitter. Criteria: Ambry Variant Classification Scheme 2023. Collection method: clinical testing. Allele origin: germline.
Comment: The p.V757A variant (also known as c.2270T>C), located in coding exon 14 of the RAD50 gene, results from a T to C substitution at nucleotide position 2270. The valine at codon 757 is replaced by alanine, an amino acid with similar properties. This variant was not reported in population based cohorts in the following databases: Database of Single Nucleotide Polymorphisms (dbSNP), NHLBI Exome Sequencing Project (ESP), and 1000 Genomes Project. In the ESP, this variant was not observed in 6503 samples (13006 alleles) with coverage at this position. To date, this alteration has been detected with an allele frequency of approximately 0.001% (greater than 120000 alleles tested) in our clinical cohort. This amino acid position is well conserved in available vertebrate species. In addition, this alteration is predicted to be tolerated by in silico analysis. Since supporting evidence is limited at this time, the clinical significance of this alteration remains unclear.

NM_005732.4(RAD50):c.2270T>C (p.Val757Ala)

Gene: RAD50 (RAD50 double strand break repair protein; plus strand). Cytogenetic location: 5q31.1.
Variant type: single nucleotide variant.
Coding change: c.2270T>C on transcript NM_005732.4 (MANE Select); coding-DNA position 2270, T replaced by C.
Protein change: p.Val757Ala; replaces valine 757 with alanine.
Molecular consequence: missense variant.
Genome position (GRCh38, 1-based): chr5:132,603,362, T>C. VCF-style: chr5-132603362-T-C. GRCh37 (hg19) VCF-style: chr5-131939054-T-C.
Other names: short protein forms V757A.
Identifiers: ClinVar variation 482098 (VCV000482098.5), dbSNP rs1554099089, ClinGen allele CA360954208.